The following is an entry in ClinVar:

ClinVar aggregate classification (germline): Likely benign. Review status: criteria provided, multiple submitters, no conflicts (2 of 4 stars). 3 submissions from 3 submitters: Likely benign (3). Last evaluated 2025-10-09.

Conditions:
3MC syndrome 1. Also called: MICHELS SYNDROME; CRANIOSYNOSTOSIS WITH LID ANOMALIES; OCULOPALATOSKELETAL SYNDROME. Identifiers: Orphanet 293843, MedGen C0796059, MONDO:0009770, OMIM 257920.

Allele frequency attached by ClinVar (database versions not stated): ESP Exome Variant Server 0.00023.
gnomAD v4.1: 329 of 1,613,956 alleles (0.02%); highest among the groups gnomAD compares: Non-Finnish European, 0.025%; no homozygotes.

Submissions (3):

Labcorp Genetics (formerly Invitae), Labcorp
Classification: Likely benign for 3MC syndrome 1. Last evaluated: 2025-10-09. Review status: criteria provided, single submitter. Criteria: Invitae Variant Classification Sherloc (09022015). Collection method: clinical testing. Allele origin: germline.

CeGaT Center for Human Genetics Tuebingen
Classification: Likely benign. Last evaluated: 2025-05-01. Review status: criteria provided, single submitter. Criteria: CeGaT Center For Human Genetics Tuebingen Variant Classification Criteria Version 2. Collection method: clinical testing. Allele origin: germline. Affected: yes. Observed: 3 variant alleles.
Comment: MASP1: BP4, BP7

Blueprint Genetics
Classification: Likely benign. Last evaluated: 2024-10-28. Review status: criteria provided, single submitter. Criteria: ACMG Guidelines, 2015. Collection method: clinical testing. Allele origin: germline.

NM_139125.4(MASP1):c.318G>A (p.Val106=)

Gene: MASP1 (MBL associated serine protease 1; minus strand). Cytogenetic location: 3q27.3.
Variant type: single nucleotide variant.
Coding change: c.318G>A on transcript NM_139125.4 (MANE Select); coding-DNA position 318, G replaced by A.
Protein change: p.Val106=; no amino-acid change (valine 106 retained).
Molecular consequence: synonymous variant. On other transcripts: non-coding transcript variant (1).
Genome position (GRCh38, 1-based): chr3:187,262,640, C>T on the plus strand (G>A on the coding strand, the complement: MASP1 is on the minus strand). VCF-style: chr3-187262640-C-T. GRCh37 (hg19) VCF-style: chr3-186980428-C-T.
Other names: c.318G>A, p.Val106= (NM_001031849.3, NM_001879.6).
Identifiers: ClinVar variation 1094010 (VCV001094010.32), dbSNP rs150600860, ClinGen allele CA2749671.